The following is an entry in ClinVar:

ClinVar aggregate classification (germline): Benign/Likely benign. Review status: criteria provided, multiple submitters, no conflicts (2 of 4 stars). 4 submissions from 4 submitters: Benign (1); Likely benign (3). Last evaluated 2025-07-27.

Conditions:
Hereditary cancer-predisposing syndrome. Also called: Hereditary neoplastic syndrome; Tumor predisposition; Neoplastic Syndromes, Hereditary; Hereditary Cancer Syndrome. Identifiers: Orphanet 140162, MedGen C0027672, MeSH D009386, MONDO:0015356.
Tuberous sclerosis 2 (TSC2). Identifiers: Orphanet 805, MedGen C1860707, MONDO:0013199, OMIM 613254.

Allele frequency attached by ClinVar (database versions not stated): gnomAD exomes below 0.00001.
gnomAD v4.1: 2 of 1,612,784 alleles (0.00012%); highest among the groups gnomAD compares: Non-Finnish European, 0.00017%; no homozygotes.

Submissions (4):

Labcorp Genetics (formerly Invitae), Labcorp
Classification: Likely benign for Tuberous sclerosis 2. Last evaluated: 2025-07-27. Review status: criteria provided, single submitter. Criteria: Invitae Variant Classification Sherloc (09022015). Collection method: clinical testing. Allele origin: germline.

Myriad Genetics, Inc.
Classification: Benign for Tuberous sclerosis 2. Last evaluated: 2025-05-28. Review status: criteria provided, single submitter. Criteria: Myriad Autosomal Dominant, Autosomal Recessive and X-Linked Classification Criteria (2023). Collection method: clinical testing. Allele origin: unknown.
Comment: This variant is considered benign. This variant is a silent/synonymous amino acid change and it is not expected to impact splicing.

CeGaT Center for Human Genetics Tuebingen
Classification: Likely benign. Last evaluated: 2024-11-01. Review status: criteria provided, single submitter. Criteria: CeGaT Center For Human Genetics Tuebingen Variant Classification Criteria Version 2. Collection method: clinical testing. Allele origin: germline. Affected: yes. Observed: 1 variant allele.
Comment: TSC2: BP4, BP7

Ambry Genetics
Classification: Likely benign for Hereditary cancer-predisposing syndrome. Last evaluated: 2021-02-08. Review status: criteria provided, single submitter. Criteria: Ambry Variant Classification Scheme 2023. Collection method: clinical testing. Allele origin: germline.

NM_000548.5(TSC2):c.3261G>A (p.Glu1087=)

Gene: TSC2 (TSC complex subunit 2; plus strand). Cytogenetic location: 16p13.3.
Variant type: single nucleotide variant.
Coding change: c.3261G>A on transcript NM_000548.5 (MANE Select); coding-DNA position 3261, G replaced by A.
Protein change: p.Glu1087=; no amino-acid change (glutamic acid 1087 retained).
Molecular consequence: synonymous variant.
Genome position (GRCh38, 1-based): chr16:2,079,405, G>A. VCF-style: chr16-2079405-G-A. GRCh37 (hg19) VCF-style: chr16-2129406-G-A.
Other names: c.3129G>A, p.Glu1043= (NM_001077183.3, NM_001370404.1); c.3261G>A, p.Glu1087= (NM_001114382.3); c.3021G>A, p.Glu1007= (NM_001318827.2); c.2985G>A, p.Glu995= (NM_001318829.2); c.2529G>A, p.Glu843= (NM_001318831.2); c.3162G>A, p.Glu1054= (NM_001318832.2); c.3132G>A, p.Glu1044= (NM_001363528.2, NM_001370405.1, NM_021055.3).
Identifiers: ClinVar variation 467997 (VCV000467997.26), dbSNP rs45438093, ClinGen allele CA493042952.